The following is an entry in ClinVar:

NM_001171.6(ABCC6):c.1199C>T (p.Ser400Phe)

Gene: ABCC6 (ATP binding cassette subfamily C member 6; minus strand). Cytogenetic location: 16p13.11.
Variant type: single nucleotide variant.
Coding change: c.1199C>T on transcript NM_001171.6 (MANE Select); coding-DNA position 1199, C replaced by T.
Protein change: p.Ser400Phe; replaces serine 400 with phenylalanine.
Molecular consequence: missense variant. On other transcripts: non-coding transcript variant (1).
Genome position (GRCh38, 1-based): chr16:16,198,160, G>A on the plus strand (C>T on the coding strand, the complement: ABCC6 is on the minus strand). VCF-style: chr16-16198160-G-A. GRCh37 (hg19) VCF-style: chr16-16292017-G-A.
Other names: c.857C>T, p.Ser286Phe (NM_001351800.1); short protein forms S400F, S286F.
Identifiers: ClinVar variation 433242 (VCV000433242.16), dbSNP rs747386965, ClinGen allele CA7926408.

ClinVar aggregate classification (germline): Conflicting classifications of pathogenicity. Review status: criteria provided, conflicting classifications (1 of 4 stars). 5 submissions from 5 submitters: Pathogenic (1); Uncertain significance (3). 1 of the submissions does not count toward it. Last evaluated 2026-01-07.

Conditions:
ABCC6-related disorder. Also called: ABCC6-related condition.
Arterial calcification, generalized, of infancy, 2. Identifiers: Orphanet 51608, MedGen C3276161, MONDO:0013768, OMIM 614473.
Autosomal recessive inherited pseudoxanthoma elasticum (PXE). Identifiers: Orphanet 758, MedGen CN032334, MONDO:0009925, OMIM 264800.
Pseudoxanthoma elasticum, forme fruste. Also called: Pseudoxanthoma Elasticum, Incomplete; PSEUDOXANTHOMA ELASTICUM, HETEROZYGOUS. Identifiers: Orphanet 758, MedGen C1867450, MONDO:0008333, OMIM 177850.

Allele frequency attached by ClinVar (database versions not stated): gnomAD 0.00001 and 0.00002; gnomAD exomes 0.00002 and 0.00009; TOPMed 0.00002; ExAC 0.00004.

Submissions (5):

Labcorp Genetics (formerly Invitae), Labcorp
Classification: Pathogenic. Last evaluated: 2026-01-07. Review status: criteria provided, single submitter. Criteria: Invitae Variant Classification Sherloc (09022015). Collection method: clinical testing. Allele origin: germline.
Comment: This sequence change replaces serine, which is neutral and polar, with phenylalanine, which is neutral and non-polar, at codon 400 of the ABCC6 protein (p.Ser400Phe). This variant is present in population databases (rs747386965, gnomAD 0.005%). This missense change has been observed in individual(s) with pseudoxanthoma elasticum (PMID: 32873932, 34906475). ClinVar contains an entry for this variant (Variation ID: 433242). Invitae Evidence Modeling of protein sequence and biophysical properties (such as structural, functional, and spatial information, amino acid conservation, physicochemical variation, residue mobility, and thermodynamic stability) has been performed for this missense variant. However, the output from this modeling did not meet the statistical confidence thresholds required to predict the impact of this variant on ABCC6 protein function. Experimental studies have shown that this missense change affects ABCC6 function (PMID: 34597610). For these reasons, this variant has been classified as Pathogenic.

PreventionGenetics, part of Exact Sciences
Classification: Uncertain significance for ABCC6-related condition. Last evaluated: 2025-12-24. Review status: criteria provided, single submitter. Criteria: ACMG Guidelines, 2015. Collection method: clinical testing. Allele origin: germline.
Comment: The ABCC6 c.1199C>T variant is predicted to result in the amino acid substitution p.Ser400Phe. This variant has been reported in individuals with pseudoxanthoma elasticum, many of whom harbored multiple ABCC6 candidate variants (Table S1, Saeidian et al. 2022. PubMed ID: 34906475). It is frequently observed along with the ABCC6 c.1258C>G (p.Leu420Val) variant (Table S1, Saeidian et al. 2022. PubMed ID: 34906475). Experimental studies using a mouse model suggest this variant impacts plasma inorganic pyrophosphate levels (Table 1, Kowal et al. 2022. PubMed ID: 34597610). This variant is reported in 0.0059% of alleles in individuals of European (Non-Finnish) descent in gnomAD. At this time, the clinical significance of this variant is uncertain due to the absence of conclusive functional and genetic evidence.

Fulgent Genetics
Classification: Uncertain significance for Pseudoxanthoma elasticum, forme fruste; Autosomal recessive inherited pseudoxanthoma elasticum; Arterial calcification, generalized, of infancy, 2. Last evaluated: 2024-05-10. Review status: criteria provided, single submitter. Criteria: ACMG Guidelines, 2015. Collection method: clinical testing. Allele origin: germline.

Blueprint Genetics
Classification: Uncertain significance. Last evaluated: 2023-12-13. Review status: criteria provided, single submitter. Criteria: ACMG Guidelines, 2015. Collection method: clinical testing. Allele origin: germline.

PXE International
Classification: Pathogenic for Autosomal recessive inherited pseudoxanthoma elasticum. Last evaluated: 2021-10-05. Review status: no assertion criteria provided. Collection method: research. Allele origin: germline. Inheritance: Autosomal recessive inheritance. Affected: yes. Observed: 2 variant alleles. Not counted in ClinVar's aggregate classification.

Literature cited by the submitters: PubMed 32873932 (cited by Labcorp Genetics (formerly Invitae), Labcorp and PXE International); PubMed 34906475 (cited by Labcorp Genetics (formerly Invitae), Labcorp); PubMed 34597610 (cited by Labcorp Genetics (formerly Invitae), Labcorp and PXE International).